The following is an entry in ClinVar:

ClinVar aggregate classification (germline): Uncertain significance. Review status: criteria provided, multiple submitters, no conflicts (2 of 4 stars). 2 submissions from 2 submitters: Uncertain significance (2). Last evaluated 2025-02-25.

Conditions:
Inborn genetic diseases. Identifiers: MedGen C0950123, MeSH D030342.

Allele frequency attached by ClinVar (database versions not stated): gnomAD exomes below 0.00001; TOPMed below 0.00001; ExAC 0.00001.

Submissions (2):

Ambry Genetics
Classification: Uncertain significance for Inborn genetic diseases. Last evaluated: 2025-02-25. Review status: criteria provided, single submitter. Criteria: Ambry Variant Classification Scheme 2023. Collection method: clinical testing. Allele origin: germline.

GeneDx
Classification: Uncertain significance. Last evaluated: 2023-01-31. Review status: criteria provided, single submitter. Criteria: GeneDx Variant Classification Process June 2021. Collection method: clinical testing. Allele origin: germline. Affected: yes.
Comment: Not observed at significant frequency in large population cohorts (gnomAD); In silico analysis supports that this missense variant does not alter protein structure/function; Has not been previously published as pathogenic or benign to our knowledge

NM_001146079.2(CLDN14):c.397A>G (p.Met133Val)

Genes: CLDN14 (claudin 14; minus strand), CLDN14-AS1 (CLDN14 antisense RNA 1; plus strand). Cytogenetic location: 21q22.13.
Variant type: single nucleotide variant.
Coding change: c.397A>G on transcript NM_001146079.2 (MANE Select); coding-DNA position 397, A replaced by G.
Protein change: p.Met133Val; replaces methionine 133 with valine.
Molecular consequence: missense variant.
Genome position (GRCh38, 1-based): chr21:36,461,299, T>C on the plus strand (A>G on the coding strand, the complement: CLDN14 is on the minus strand). VCF-style: chr21-36461299-T-C. GRCh37 (hg19) VCF-style: chr21-37833597-T-C.
Other names: c.397A>G, p.Met133Val (NM_001146077.2, NM_001146078.3, NM_012130.4 and 1 more transcripts); short protein forms M133V.
Identifiers: ClinVar variation 2574288 (VCV002574288.2), dbSNP rs757597772, ClinGen allele CA10019269.